The following is an entry in ClinVar:

ClinVar aggregate classification (germline): Uncertain significance. Review status: criteria provided, multiple submitters, no conflicts (2 of 4 stars). 2 submissions from 2 submitters: Uncertain significance (2). Last evaluated 2026-07-09.

Conditions:
MKS1-related disorder. Also called: MKS1-related disorders; MKS1-related condition. Identifiers: MedGen CN239382.
Meckel-Gruber syndrome. Also called: DYSENCEPHALIA SPLANCHNOCYSTICA; GRUBER SYNDROME; Dysencephalia splachnocystica. Identifiers: Orphanet 564, MedGen C0265215, MONDO:0018921.
Joubert syndrome. Also called: Familial aplasia of the vermis; JOUBERT-BOLTSHAUSER SYNDROME. Identifiers: Orphanet 475, MedGen C5979921, MONDO:0018772.

Allele frequency attached by ClinVar (database versions not stated): gnomAD exomes below 0.00001; TOPMed below 0.00001.
gnomAD v4.1: 5 of 1,614,200 alleles (0.00031%); highest among the groups gnomAD compares: Middle Eastern, 0.016%; no homozygotes.

Submissions (2):

PreventionGenetics, part of Exact Sciences
Classification: Uncertain significance for MKS1-related condition. Last evaluated: 2026-07-09. Review status: criteria provided, single submitter. Criteria: ACMG Guidelines, 2015. Collection method: clinical testing. Allele origin: germline.
Comment: The MKS1 c.1397G>C variant is predicted to result in the amino acid substitution p.Gly466Ala. To our knowledge, this variant has not been reported in the literature or in a large population database (gnomAD), indicating this variant is rare. At this time, the clinical significance of this variant is uncertain due to the absence of conclusive functional and genetic evidence.

Labcorp Genetics (formerly Invitae), Labcorp
Classification: Uncertain significance for Joubert syndrome; Meckel-Gruber syndrome. Last evaluated: 2023-04-24. Review status: criteria provided, single submitter. Criteria: Invitae Variant Classification Sherloc (09022015). Collection method: clinical testing. Allele origin: germline.
Comment: In summary, the available evidence is currently insufficient to determine the role of this variant in disease. Therefore, it has been classified as a Variant of Uncertain Significance. Advanced modeling of protein sequence and biophysical properties (such as structural, functional, and spatial information, amino acid conservation, physicochemical variation, residue mobility, and thermodynamic stability) performed at Invitae indicates that this missense variant is not expected to disrupt MKS1 protein function. ClinVar contains an entry for this variant (Variation ID: 1983141). This variant has not been reported in the literature in individuals affected with MKS1-related conditions. This variant is not present in population databases (gnomAD no frequency). This sequence change replaces glycine, which is neutral and non-polar, with alanine, which is neutral and non-polar, at codon 466 of the MKS1 protein (p.Gly466Ala).

NM_017777.4(MKS1):c.1397G>C (p.Gly466Ala)

Gene: MKS1 (MKS transition zone complex subunit 1; minus strand). Cytogenetic location: 17q22.
Variant type: single nucleotide variant.
Coding change: c.1397G>C on transcript NM_017777.4 (MANE Select); coding-DNA position 1397, G replaced by C.
Protein change: p.Gly466Ala; replaces glycine 466 with alanine.
Molecular consequence: missense variant. On other transcripts: intron variant (1).
Genome position (GRCh38, 1-based): chr17:58,207,095, C>G on the plus strand (G>C on the coding strand, the complement: MKS1 is on the minus strand). VCF-style: chr17-58207095-C-G. GRCh37 (hg19) VCF-style: chr17-56284456-C-G.
Other names: c.788G>C, p.Gly263Ala (NM_001321268.2); c.1397G>C, p.Gly466Ala (NM_001321269.2); c.1274-715G>C (NM_001330397.2); short protein forms G263A, G466A.
Identifiers: ClinVar variation 1983141 (VCV001983141.3), dbSNP rs1024298383, ClinGen allele CA292008157.